The following is an entry in ClinVar:

ClinVar aggregate classification (germline): Uncertain significance (1 of 4 stars; one submission).

Allele frequency attached by ClinVar (database versions not stated): TOPMed 0.00001.

Submission:

Labcorp Genetics (formerly Invitae), Labcorp
Classification: Uncertain significance. Last evaluated: 2022-08-09. Review status: criteria provided, single submitter. Criteria: Invitae Variant Classification Sherloc (09022015). Collection method: clinical testing. Allele origin: germline.
Comment: In summary, the available evidence is currently insufficient to determine the role of this variant in disease. Therefore, it has been classified as a Variant of Uncertain Significance. This sequence change falls in intron 10 of the CAD gene. It does not directly change the encoded amino acid sequence of the CAD protein. This variant is not present in population databases (gnomAD no frequency). This variant has not been reported in the literature in individuals affected with CAD-related conditions. ClinVar contains an entry for this variant (Variation ID: 1414777). Algorithms developed to predict the effect of sequence changes on RNA splicing suggest that this variant may create or strengthen a splice site.

NM_004341.5(CAD):c.1386+13C>T

Gene: CAD (carbamoyl-phosphate synthetase 2, aspartate transcarbamylase, and dihydroorotase; plus strand). Cytogenetic location: 2p23.3.
Variant type: single nucleotide variant.
Coding change: c.1386+13C>T on transcript NM_004341.5 (MANE Select); 13 bases into the intron after coding-DNA position 1386, C replaced by T.
Molecular consequence: intron variant.
Genome position (GRCh38, 1-based): chr2:27,224,889, C>T. VCF-style: chr2-27224889-C-T. GRCh37 (hg19) VCF-style: chr2-27447757-C-T.
Other names: c.1386+13C>T (NM_001306079.2).
Identifiers: ClinVar variation 1414777 (VCV001414777.6), dbSNP rs1348521220, ClinGen allele CA767354351.